The following is an entry in ClinVar:

ClinVar aggregate classification (germline): Conflicting classifications of pathogenicity. Review status: criteria provided, conflicting classifications (1 of 4 stars). 3 submissions from 3 submitters: Uncertain significance (2); Likely benign (1). Last evaluated 2025-11-24.

Conditions:
Autosomal dominant epilepsy with auditory features. Identifiers: Orphanet 101046, MedGen C1838062, MONDO:0010898.
Inborn genetic diseases. Identifiers: MedGen C0950123, MeSH D030342.

Allele frequency attached by ClinVar (database versions not stated): ExAC 0.00002; TOPMed 0.00002; gnomAD exomes 0.00003.
gnomAD v4.1: 8 of 1,614,202 alleles (0.0005%); highest among the groups gnomAD compares: Admixed American, 0.013%; no homozygotes.

Submissions (3):

Labcorp Genetics (formerly Invitae), Labcorp
Classification: Uncertain significance for Autosomal dominant epilepsy with auditory features. Last evaluated: 2025-11-24. Review status: criteria provided, single submitter. Criteria: Invitae Variant Classification Sherloc (09022015). Collection method: clinical testing. Allele origin: germline.
Comment: This sequence change replaces alanine, which is neutral and non-polar, with serine, which is neutral and polar, at codon 12 of the LGI1 protein (p.Ala12Ser). This variant is present in population databases (rs770065197, gnomAD 0.02%). This variant has not been reported in the literature in individuals affected with LGI1-related conditions. ClinVar contains an entry for this variant (Variation ID: 284206). An algorithm developed to predict the effect of missense changes on protein structure and function (PolyPhen-2) suggests that this variant is likely to be tolerated. In summary, the available evidence is currently insufficient to determine the role of this variant in disease. Therefore, it has been classified as a Variant of Uncertain Significance.

Ambry Genetics
Classification: Likely benign for Inborn genetic diseases. Last evaluated: 2025-10-07. Review status: criteria provided, single submitter. Criteria: Ambry Variant Classification Scheme 2023. Collection method: clinical testing. Allele origin: germline.

Eurofins Ntd Llc (ga)
Classification: Uncertain significance. Last evaluated: 2015-10-30. Review status: criteria provided, single submitter. Criteria: EGL Classification Definitions 2015. Collection method: clinical testing. Allele origin: germline. Observed: 2 variant alleles, 2 heterozygotes.

NM_005097.4(LGI1):c.34G>T (p.Ala12Ser)

Gene: LGI1 (leucine rich glioma inactivated 1; plus strand). Cytogenetic location: 10q23.33.
Variant type: single nucleotide variant.
Coding change: c.34G>T on transcript NM_005097.4 (MANE Select); coding-DNA position 34, G replaced by T.
Protein change: p.Ala12Ser; replaces alanine 12 with serine.
Molecular consequence: missense variant. On other transcripts: non-coding transcript variant (1).
Genome position (GRCh38, 1-based): chr10:93,758,178, G>T. VCF-style: chr10-93758178-G-T. GRCh37 (hg19) VCF-style: chr10-95517935-G-T.
Other names: c.34G>T (NM_005097.2); c.34G>T, p.Ala12Ser (NM_001308275.2, NM_001308276.2); short protein forms A12S.
Identifiers: ClinVar variation 284206 (VCV000284206.9), dbSNP rs770065197, ClinGen allele CA5610990.